The following is an entry in ClinVar:

ClinVar aggregate classification (germline): Uncertain significance (1 of 4 stars; one submission).

Conditions:
Autosomal recessive nonsyndromic hearing loss 18B. Also called: Deafness, autosomal recessive 18b. Identifiers: Orphanet 90636, MedGen C3554163, MONDO:0013985, OMIM 614945.

Allele frequency attached by ClinVar (database versions not stated): gnomAD exomes below 0.00001.
gnomAD v4.1: 1 of 1,381,016 alleles (0.000072%); highest among the groups gnomAD compares: Non-Finnish European, 0.000093%; no homozygotes.

Submission:

Victorian Clinical Genetics Services, Murdoch Childrens Research Institute
Classification: Uncertain significance for Autosomal recessive nonsyndromic hearing loss 18B. Last evaluated: 2020-05-26. Review status: criteria provided, single submitter. Criteria: ACMG Guidelines, 2015. Collection method: clinical testing. Allele origin: germline. Inheritance: Autosomal recessive inheritance. Affected: yes.
Comment: Based on the classification scheme VCGS_Germline_v1.1.1, this variant is classified as 3C-VUS. Following criteria are met: 0102 - Loss-of-function is a known mechanism of disease for this gene. (N) 0106 - This gene is known to be associated with autosomal recessive disease. (N) 0200 - Variant is predicted to result in a missense amino acid change from leucine to glutamine (exon 1). (N) 0251 - Variant is heterozygous. (N) 0301 - Variant is absent from gnomAD. (P) 0503 - Missense variant consistently predicted to be tolerated or not conserved in mammals with a minor amino acid change. (B) 0604 - Variant is not located in an established domain, motif, hotspot or informative constraint region. (N) 0705 - No comparable variants have previous evidence for pathogenicity. (N) 0807 - Variant has not previously been reported in a clinical context. (N) 0905 - No segregation evidence has been identified for this variant. (N) 1007 - No published functional evidence has been identified for this variant. (N) 1208 - Inheritance information for this variant is not currently available. (N) Legend: (P) - Pathogenic, (N) - Neutral, (B) - Benign

NM_001292063.2(OTOG):c.77T>A (p.Leu26Gln)

Gene: OTOG (otogelin; plus strand). Cytogenetic location: 11p15.1.
Variant type: single nucleotide variant.
Coding change: c.77T>A on transcript NM_001292063.2 (MANE Select); coding-DNA position 77, T replaced by A.
Protein change: p.Leu26Gln; replaces leucine 26 with glutamine.
Molecular consequence: missense variant.
Genome position (GRCh38, 1-based): chr11:17,547,449, T>A. VCF-style: chr11-17547449-T-A. GRCh37 (hg19) VCF-style: chr11-17568996-T-A.
Other names: c.77T>A, p.Leu26Gln (NM_001277269.2); short protein forms L26Q.
Identifiers: ClinVar variation 1805822 (VCV001805822.1), dbSNP rs2497350519, ClinGen allele CA379806287.